The following is an entry in ClinVar:

NM_007055.4(POLR3A):c.2555T>C (p.Met852Thr)

Gene: POLR3A (RNA polymerase III subunit A; minus strand). Cytogenetic location: 10q22.3.
Variant type: single nucleotide variant.
Coding change: c.2555T>C on transcript NM_007055.4 (MANE Select); coding-DNA position 2555, T replaced by C.
Protein change: p.Met852Thr; replaces methionine 852 with threonine.
Molecular consequence: missense variant.
Genome position (GRCh38, 1-based): chr10:78,000,042, A>G on the plus strand (T>C on the coding strand, the complement: POLR3A is on the minus strand). VCF-style: chr10-78000042-A-G. GRCh37 (hg19) VCF-style: chr10-79759800-A-G.
Other names: short protein forms M852T.
Identifiers: ClinVar variation 4882520 (VCV004882520.2).

ClinVar aggregate classification (germline): Uncertain significance (1 of 4 stars; one submission).

gnomAD v4.1: 3 of 1,614,080 alleles (0.00019%); highest among the groups gnomAD compares: South Asian, 0.0011%; no homozygotes.

Submission:

Dasa
Classification: Uncertain significance. Last evaluated: 2026-02-11. Review status: criteria provided, single submitter. Criteria: DASA Assertion Criteria. Collection method: clinical testing. Allele origin: germline.
Comment: NM_007055.4(POLR3A):c.2555T>C (p.Met852Thr) is a missense variant that results in the substitution of methionine with threonine. The affected residue or protein region has prior evidence supporting clinical relevance. This variant is rare in population databases. Computational prediction algorithms are consistent with a deleterious effect. The currently available literature and clinical evidence are not sufficient to establish a definitive association between this variant and the reported condition. Therefore, this variant is classified as a variant of uncertain significance.